The following is an entry in ClinVar:

ClinVar aggregate classification (germline): Uncertain significance (1 of 4 stars; one submission).

Submission:

GeneDx
Classification: Uncertain significance. Last evaluated: 2026-03-30. Review status: criteria provided, single submitter. Criteria: GeneDx Variant Classification Process June 2021. Collection method: clinical testing. Allele origin: germline.
Comment: Observed in large aggregate dataset examining de novo variants in patients with various developmental disorders (PMID: 35982159); Not observed at significant frequency in large population cohorts (gnomAD); In silico analysis supports a deleterious effect on splicing; In silico analysis supports that this missense variant has a deleterious effect on protein structure/function; This variant is associated with the following publications: (PMID: 35982159)

NM_002815.4(PSMD11):c.760A>G (p.Met254Val)

Gene: PSMD11 (proteasome 26S subunit, non-ATPase 11; plus strand). Cytogenetic location: 17q11.2.
Variant type: single nucleotide variant.
Coding change: c.760A>G on transcript NM_002815.4 (MANE Select); coding-DNA position 760, A replaced by G.
Protein change: p.Met254Val; replaces methionine 254 with valine.
Molecular consequence: missense variant.
Genome position (GRCh38, 1-based): chr17:32,473,917, A>G. VCF-style: chr17-32473917-A-G. GRCh37 (hg19) VCF-style: chr17-30800935-A-G.
Other names: c.760A>G, p.Met254Val (NM_001270482.2); short protein forms M254V.
Identifiers: ClinVar variation 5016839 (VCV005016839.1).